The following is an entry in ClinVar:

NM_001283009.2(RTEL1):c.2438A>C (p.Glu813Ala)

Genes: RTEL1 (regulator of telomere elongation helicase 1; plus strand), RTEL1-TNFRSF6B (RTEL1-TNFRSF6B readthrough (NMD candidate); plus strand). Cytogenetic location: 20q13.33.
Variant type: single nucleotide variant.
Coding change: c.2438A>C on transcript NM_001283009.2 (MANE Select); coding-DNA position 2438, A replaced by C.
Protein change: p.Glu813Ala; replaces glutamic acid 813 with alanine.
Molecular consequence: missense variant. On other transcripts: non-coding transcript variant (1).
Genome position (GRCh38, 1-based): chr20:63,690,829, A>C. VCF-style: chr20-63690829-A-C. GRCh37 (hg19) VCF-style: chr20-62322182-A-C.
Other names: c.1769A>C, p.Glu590Ala (NM_001283010.1); c.2438A>C, p.Glu813Ala (NM_016434.4); c.2510A>C, p.Glu837Ala (NM_032957.5); short protein forms E590A, E813A, E837A.
Identifiers: ClinVar variation 1011793 (VCV001011793.3), dbSNP rs756711633, ClinGen allele CA409681426.
Genomic context (GRCh38, chr20:63,690,829, plus strand): 5'-CCGTGGGCTTCACTGCGCACTCGGGTGCCCCTGCAGGGTCACCAGCTGCCGGGGACCCCG[A>C]GAGTAGCCTGTGTGTGGAGTATGAGCAGGAGCCAGTTCCTGCCCGGCAGAGGCCCAGGGG-3'
Protein context (NP_001269938.1, residues 803-823): SSGSPAAGDP[Glu813Ala]SSLCVEYEQE

ClinVar aggregate classification (germline): Uncertain significance. Review status: criteria provided, single submitter (1 of 4 stars). 2 submissions from 2 submitters: Uncertain significance (1). 1 of the submissions does not count toward it. Last evaluated 2021-08-27.

Conditions:
Pulmonary fibrosis and/or bone marrow failure, Telomere-related, 3. Also called: PULMONARY FIBROSIS AND/OR BONE MARROW FAILURE SYNDROME, TELOMERE-RELATED, 3. Identifiers: Orphanet 2032, MedGen C4225346, MONDO:0014613, OMIM 616373.
Dyskeratosis congenita, autosomal recessive 5 (DKCB5). Identifiers: MedGen C3554656, MONDO:0014076, OMIM 615190.
Dyskeratosis congenita. Identifiers: Orphanet 1775, MedGen C0265965, MONDO:0015780.

Allele frequency attached by ClinVar (database versions not stated): TOPMed below 0.00001; gnomAD 0.00001.
gnomAD v4.1: 4 of 1,604,776 alleles (0.00025%); highest among the groups gnomAD compares: Non-Finnish European, 0.00034%; no homozygotes.

Submissions (2):

Labcorp Genetics (formerly Invitae), Labcorp
Classification: Uncertain significance for Dyskeratosis congenita, autosomal recessive 5; Pulmonary fibrosis and/or bone marrow failure, Telomere-related, 3. Last evaluated: 2021-08-27. Review status: criteria provided, single submitter. Criteria: Invitae Variant Classification Sherloc (09022015). Collection method: clinical testing. Allele origin: germline.
Comment: This sequence change replaces glutamic acid with alanine at codon 813 of the RTEL1 protein (p.Glu813Ala). The glutamic acid residue is weakly conserved and there is a moderate physicochemical difference between glutamic acid and alanine. This variant is not present in population databases (ExAC no frequency). This variant has not been reported in the literature in individuals affected with RTEL1-related conditions. Algorithms developed to predict the effect of missense changes on protein structure and function (SIFT, PolyPhen-2, Align-GVGD) all suggest that this variant is likely to be tolerated. In summary, the available evidence is currently insufficient to determine the role of this variant in disease. Therefore, it has been classified as a Variant of Uncertain Significance.

Natera, Inc.
Classification: Uncertain significance for Dyskeratosis congenita. Last evaluated: 2020-01-30. Review status: no assertion criteria provided. Collection method: clinical testing. Allele origin: germline. Not counted in ClinVar's aggregate classification.